The following is an entry in ClinVar:

NM_018026.4(PACS1):c.2656+19G>A

Gene: PACS1 (phosphofurin acidic cluster sorting protein 1; plus strand). Cytogenetic location: 11q13.2.
Variant type: single nucleotide variant.
Coding change: c.2656+19G>A on transcript NM_018026.4 (MANE Select); 19 bases into the intron after coding-DNA position 2656, G replaced by A.
Molecular consequence: intron variant.
Genome position (GRCh38, 1-based): chr11:66,241,672, G>A. VCF-style: chr11-66241672-G-A. GRCh37 (hg19) VCF-style: chr11-66009143-G-A.
Identifiers: ClinVar variation 1646838 (VCV001646838.9), dbSNP rs547725816, ClinGen allele CA6116917.

ClinVar aggregate classification (germline): Likely benign. Review status: criteria provided, multiple submitters, no conflicts (2 of 4 stars). 2 submissions from 2 submitters: Likely benign (2). Last evaluated 2026-06-15.

Conditions:
Schuurs-Hoeijmakers syndrome. Also called: PACS1-Related Neurodevelopmental Disorder. Identifiers: Orphanet 329224, MedGen C3554343, MONDO:0014006, OMIM 615009.

Allele frequency attached by ClinVar (database versions not stated): gnomAD exomes 0.00002 and 0.00004; TOPMed 0.00008; gnomAD 0.00010 and 0.00011; ExAC 0.00007; 1000 Genomes Project 30x 0.00062; 1000 Genomes Project 0.00060.
gnomAD v4.1: 43 of 1,588,686 alleles (0.0027%); highest among the groups gnomAD compares: African/African-American, 0.027%; no homozygotes.

Submissions (2):

Women's Health and Genetics/Laboratory Corporation of America, LabCorp
Classification: Likely benign. Last evaluated: 2026-06-15. Review status: criteria provided, single submitter. Criteria: LabCorp Variant Classification Summary - May 2015. Collection method: clinical testing. Allele origin: germline.
Comment: Variant summary: PACS1 c.2656+19G>A alters a nucleotide located at a position not widely known to affect splicing. Consensus agreement among computation tools predict no significant impact on normal splicing. However, these predictions have yet to be confirmed by functional studies. The variant allele was found at a frequency of 4.4e-05 in 248630 control chromosomes. This frequency is not significantly higher than estimated for disease-causing variants in PACS1, allowing no conclusion about variant significance. To our knowledge, no occurrence of c.2656+19G>A in individuals affected with PACS1-related conditions and no experimental evidence demonstrating its impact on protein function have been reported. ClinVar contains an entry for this variant (Variation ID: 1646838). Based on the evidence outlined above, the variant was classified as likely benign.

Labcorp Genetics (formerly Invitae), Labcorp
Classification: Likely benign for Schuurs-Hoeijmakers syndrome. Last evaluated: 2026-02-01. Review status: criteria provided, single submitter. Criteria: Invitae Variant Classification Sherloc (09022015). Collection method: clinical testing. Allele origin: germline.